The following is an entry in ClinVar:

ClinVar aggregate classification (germline): Pathogenic. Review status: criteria provided, multiple submitters, no conflicts (2 of 4 stars). 5 submissions from 5 submitters: Pathogenic (5). Last evaluated 2025-08-05.

Conditions:
Maple syrup urine disease (MSUD). Identifiers: Orphanet 511, MedGen C0024776, MeSH D008375, MONDO:0009563. Disease mechanism: loss of function.
Maple syrup urine disease type 1A (MSUD1A). Also called: MSUD type 1A. Identifiers: MedGen C1855369, MONDO:0023691, OMIM 248600.

Submissions (5):

First Genomix Gene Laboratory, Genetic Diagnostics Department
Classification: Pathogenic for Maple syrup urine disease type 1A. Last evaluated: 2025-08-05. Review status: criteria provided, single submitter. Criteria: ACMG Guidelines, 2015. Collection method: clinical testing. Allele origin: germline. Inheritance: Autosomal recessive inheritance. Affected: no. Observed: 1 variant allele.

Baylor Genetics
Classification: Pathogenic for Maple syrup urine disease type 1A. Last evaluated: 2023-12-04. Review status: criteria provided, single submitter. Criteria: ACMG Guidelines, 2015. Collection method: clinical testing. Allele origin: unknown.

Genome-Nilou Lab
Classification: Pathogenic for Maple syrup urine disease type 1A. Last evaluated: 2021-11-07. Review status: criteria provided, single submitter. Criteria: ACMG Guidelines, 2015. Collection method: clinical testing. Allele origin: germline. Affected: no.

Labcorp Genetics (formerly Invitae), Labcorp
Classification: Pathogenic for Maple syrup urine disease. Last evaluated: 2020-08-27. Review status: criteria provided, single submitter. Criteria: Invitae Variant Classification Sherloc (09022015). Collection method: clinical testing. Allele origin: germline.
Comment: This sequence change creates a premature translational stop signal (p.Leu48Argfs*15) in the BCKDHA gene. It is expected to result in an absent or disrupted protein product. This variant is not present in population databases (ExAC no frequency). This variant has been observed in individual(s) with maple syrup urine disease (PMID: 26901124). ClinVar contains an entry for this variant (Variation ID: 522650). Loss-of-function variants in BCKDHA are known to be pathogenic (PMID: 16786533, 22593002). For these reasons, this variant has been classified as Pathogenic.

Genomic Research Center, Shahid Beheshti University of Medical Sciences
Classification: Pathogenic for Maple syrup urine disease. Last evaluated: 2017-12-03. Review status: criteria provided, single submitter. Criteria: ACMG Guidelines, 2015. Collection method: clinical testing. Allele origin: inherited. Affected: no.

Literature cited by the submitters: PubMed 26901124 (cited by Labcorp Genetics (formerly Invitae), Labcorp); PubMed 16786533 (cited by Labcorp Genetics (formerly Invitae), Labcorp); PubMed 22593002 (cited by Labcorp Genetics (formerly Invitae), Labcorp).

NM_000709.4(BCKDHA):c.143del (p.Leu48fs)

Gene: BCKDHA (branched chain keto acid dehydrogenase E1 subunit alpha; plus strand). Cytogenetic location: 19q13.2.
Variant type: Deletion.
Coding change: c.143del on transcript NM_000709.4 (MANE Select); coding-DNA position 143, one base deleted (T; older notation c.143delT).
Protein change: p.Leu48fs; shifts the reading frame from leucine 48.
Molecular consequence: frameshift variant.
Genome position (GRCh38, 1-based): chr19:41,410,671, T deleted. VCF-style (leftmost placement, unchanged base first): chr19-41410670-CT-C. GRCh37 (hg19) VCF-style: chr19-41916575-CT-C.
Other names: c.143delT (NM_000709.4); c.143del, p.Leu48fs (NM_001164783.2); short protein forms L48fs.
Identifiers: ClinVar variation 522650 (VCV000522650.16), dbSNP rs1555765593, ClinGen allele CA658799238.
Genomic context (GRCh38, chr19:41,410,670, plus strand): 5'-GGTGGTCTCCTCTGCTCTCTTCCCCAGCACCCCCCCAGGCAGCAGCAGCAGTTTTCATCT[CT>C]GGATGACAAGCCCCAGTTCCCAGGGGCCTCGGCGGAGTTTATAGATAAGTTGGAATTCAT-3'